The following is an entry in ClinVar:

NM_007118.4(TRIO):c.1197C>T (p.Asn399=)

Gene: TRIO (trio Rho guanine nucleotide exchange factor; plus strand). Cytogenetic location: 5p15.2.
Variant type: single nucleotide variant.
Coding change: c.1197C>T on transcript NM_007118.4 (MANE Select); coding-DNA position 1197, C replaced by T.
Protein change: p.Asn399=; no amino-acid change (asparagine 399 retained).
Molecular consequence: synonymous variant. On other transcripts: non-coding transcript variant (1).
Genome position (GRCh38, 1-based): chr5:14,297,092, C>T. VCF-style: chr5-14297092-C-T. GRCh37 (hg19) VCF-style: chr5-14297201-C-T.
Identifiers: ClinVar variation 2655306 (VCV002655306.24), dbSNP rs1737426317, ClinGen allele CA443273772.

ClinVar aggregate classification (germline): Likely benign (1 of 4 stars; one submission).

Submission:

CeGaT Center for Human Genetics Tuebingen
Classification: Likely benign. Last evaluated: 2022-11-01. Review status: criteria provided, single submitter. Criteria: CeGaT Center For Human Genetics Tuebingen Variant Classification Criteria Version 2. Collection method: clinical testing. Allele origin: germline. Affected: yes. Observed: 1 variant allele.
Comment: TRIO: PM2:Supporting, BP4, BP7